The following is an entry in ClinVar:

NM_138927.4(SON):c.3627G>A (p.Ser1209=)

Gene: SON (SON DNA and RNA binding protein; plus strand). Cytogenetic location: 21q22.11.
Variant type: single nucleotide variant.
Coding change: c.3627G>A on transcript NM_138927.4 (MANE Select); coding-DNA position 3627, G replaced by A.
Protein change: p.Ser1209=; no amino-acid change (serine 1209 retained).
Molecular consequence: synonymous variant. On other transcripts: non-coding transcript variant (1), intron variant (1).
Genome position (GRCh38, 1-based): chr21:33,552,858, G>A. VCF-style: chr21-33552858-G-A. GRCh37 (hg19) VCF-style: chr21-34925164-G-A.
Other names: c.3627G>A, p.Ser1209= (NM_001291411.2, NM_001412133.1, NM_032195.3 and 2 more transcripts); c.245-4298G>A (NM_001291412.3).
Identifiers: ClinVar variation 2652612 (VCV002652612.24), dbSNP rs137934017, ClinGen allele CA10009331.

ClinVar aggregate classification (germline): Likely benign (1 of 4 stars; one submission).

Allele frequency attached by ClinVar (database versions not stated): gnomAD exomes 0.00002; TOPMed 0.00002; gnomAD 0.00003; ExAC 0.00004; ESP Exome Variant Server 0.00008.
gnomAD v4.1: 31 of 1,613,850 alleles (0.0019%); highest among the groups gnomAD compares: East Asian, 0.013%; no homozygotes.

Submission:

CeGaT Center for Human Genetics Tuebingen
Classification: Likely benign. Last evaluated: 2022-11-01. Review status: criteria provided, single submitter. Criteria: CeGaT Center For Human Genetics Tuebingen Variant Classification Criteria Version 2. Collection method: clinical testing. Allele origin: germline. Affected: yes. Observed: 1 variant allele.
Comment: SON: BP4, BP7